The following is an entry in ClinVar:

NM_003672.4(CDC14A):c.370C>G (p.Pro124Ala)

Gene: CDC14A (cell division cycle 14A; plus strand). Cytogenetic location: 1p21.2.
Variant type: single nucleotide variant.
Coding change: c.370C>G on transcript NM_003672.4 (MANE Select); coding-DNA position 370, C replaced by G.
Protein change: p.Pro124Ala; replaces proline 124 with alanine.
Molecular consequence: missense variant. On other transcripts: 5 prime UTR variant (1).
Genome position (GRCh38, 1-based): chr1:100,424,282, C>G. VCF-style: chr1-100424282-C-G. GRCh37 (hg19) VCF-style: chr1-100889838-C-G.
Other names: c.370C>G, p.Pro124Ala (NM_001319210.2, NM_033312.3, NM_033313.3); c.196C>G, p.Pro66Ala (NM_001319211.2); c.-422C>G (NM_001319212.2); short protein forms P124A, P66A.
Identifiers: ClinVar variation 1708615 (VCV001708615.2), dbSNP rs144409876, ClinGen allele CA970540.

ClinVar aggregate classification (germline): Uncertain significance (1 of 4 stars; one submission).

Allele frequency attached by ClinVar (database versions not stated): ESP Exome Variant Server 0.00015.

Submission:

GeneDx
Classification: Uncertain significance. Last evaluated: 2022-04-08. Review status: criteria provided, single submitter. Criteria: GeneDx Variant Classification Process June 2021. Collection method: clinical testing. Allele origin: germline. Affected: yes.
Comment: Not observed at significant frequency in large population cohorts (gnomAD); In silico analysis supports that this missense variant does not alter protein structure/function; Has not been previously published as pathogenic or benign to our knowledge